The following is an entry in ClinVar:

ClinVar aggregate classification (germline): Uncertain significance (1 of 4 stars; one submission).

Allele frequency attached by ClinVar (database versions not stated): ExAC 0.00001; gnomAD 0.00001; 1000 Genomes Project 30x 0.00016; 1000 Genomes Project 0.00020.
gnomAD v4.1: 1 of 1,614,202 alleles (0.000062%); highest among the groups gnomAD compares: Non-Finnish European, 0.000085%; no homozygotes.

Submission:

Mayo Clinic Laboratories, Mayo Clinic
Classification: Uncertain significance. Last evaluated: 2023-02-28. Review status: criteria provided, single submitter. Criteria: ACMG Guidelines, 2015. Collection method: clinical testing. Allele origin: germline. Observed: 1 variant allele.
Comment: PM2

NM_000271.5(NPC1):c.746C>T (p.Pro249Leu)

Gene: NPC1 (NPC intracellular cholesterol transporter 1; minus strand). Cytogenetic location: 18q11.2.
Variant type: single nucleotide variant.
Coding change: c.746C>T on transcript NM_000271.5 (MANE Select); coding-DNA position 746, C replaced by T.
Protein change: p.Pro249Leu; replaces proline 249 with leucine.
Molecular consequence: missense variant.
Genome position (GRCh38, 1-based): chr18:23,560,366, G>A on the plus strand (C>T on the coding strand, the complement: NPC1 is on the minus strand). VCF-style: chr18-23560366-G-A. GRCh37 (hg19) VCF-style: chr18-21140330-G-A.
Other names: p.Pro249Leu; short protein forms P249L.
Identifiers: ClinVar variation 2683451 (VCV002683451.1), dbSNP rs556244921, ClinGen allele CA8913654.